The following is an entry in ClinVar:

ClinVar aggregate classification (germline): Uncertain significance. Review status: criteria provided, multiple submitters, no conflicts (2 of 4 stars). 2 submissions from 2 submitters: Uncertain significance (2). Last evaluated 2025-05-22.

Conditions:
Atrial fibrillation, familial, 18 (ATFB18). Identifiers: MedGen C4310636, MONDO:0015001, OMIM 617280.

Allele frequency attached by ClinVar (database versions not stated): gnomAD exomes below 0.00001 and 0.00002; ExAC 0.00004; TOPMed 0.00007; gnomAD 0.00011 and 0.00012.
gnomAD v4.1: 21 of 1,614,026 alleles (0.0013%); highest among the groups gnomAD compares: African/African-American, 0.028%; no homozygotes.

Submissions (2):

Labcorp Genetics (formerly Invitae), Labcorp
Classification: Uncertain significance for Atrial fibrillation, familial, 18. Last evaluated: 2025-05-22. Review status: criteria provided, single submitter. Criteria: Invitae Variant Classification Sherloc (09022015). Collection method: clinical testing. Allele origin: germline.
Comment: This sequence change replaces asparagine, which is neutral and polar, with aspartic acid, which is acidic and polar, at codon 182 of the MYL4 protein (p.Asn182Asp). This variant is present in population databases (rs755977099, gnomAD 0.04%). This variant has not been reported in the literature in individuals affected with MYL4-related conditions. ClinVar contains an entry for this variant (Variation ID: 840094). An algorithm developed to predict the effect of missense changes on protein structure and function (PolyPhen-2) suggests that this variant is likely to be disruptive. In summary, the available evidence is currently insufficient to determine the role of this variant in disease. Therefore, it has been classified as a Variant of Uncertain Significance.

Ambry Genetics
Classification: Uncertain significance. Last evaluated: 2025-01-16. Review status: criteria provided, single submitter. Criteria: Ambry Variant Classification Scheme 2023. Collection method: clinical testing. Allele origin: germline.

NM_002476.2(MYL4):c.544A>G (p.Asn182Asp)

Gene: MYL4 (myosin light chain 4; plus strand). Cytogenetic location: 17q21.32.
Variant type: single nucleotide variant.
Coding change: c.544A>G on transcript NM_002476.2 (MANE Select); coding-DNA position 544, A replaced by G.
Protein change: p.Asn182Asp; replaces asparagine 182 with aspartic acid.
Molecular consequence: missense variant.
Genome position (GRCh38, 1-based): chr17:47,222,436, A>G. VCF-style: chr17-47222436-A-G. GRCh37 (hg19) VCF-style: chr17-45299802-A-G.
Other names: c.544A>G, p.Asn182Asp (NM_001002841.2); short protein forms N182D.
Identifiers: ClinVar variation 840094 (VCV000840094.10), dbSNP rs755977099, ClinGen allele CA8622786.